The following is an entry in ClinVar:

ClinVar aggregate classification (germline): Uncertain significance. Review status: criteria provided, multiple submitters, no conflicts (2 of 4 stars). 2 submissions from 2 submitters: Uncertain significance (2). Last evaluated 2025-07-06.

Conditions:
Inborn genetic diseases. Identifiers: MedGen C0950123, MeSH D030342.

Allele frequency attached by ClinVar (database versions not stated): gnomAD exomes below 0.00001; ExAC 0.00001.
gnomAD v4.1: 1 of 1,612,542 alleles (0.000062%); highest among the groups gnomAD compares: South Asian, 0.0011%; no homozygotes.

Submissions (2):

Labcorp Genetics (formerly Invitae), Labcorp
Classification: Uncertain significance. Last evaluated: 2025-07-06. Review status: criteria provided, single submitter. Criteria: Invitae Variant Classification Sherloc (09022015). Collection method: clinical testing. Allele origin: germline.
Comment: This sequence change replaces serine, which is neutral and polar, with asparagine, which is neutral and polar, at codon 855 of the ROBO1 protein (p.Ser855Asn). The frequency data for this variant in the population databases is considered unreliable, as metrics indicate poor data quality at this position in the gnomAD database. This variant has not been reported in the literature in individuals affected with ROBO1-related conditions. ClinVar contains an entry for this variant (Variation ID: 2284753). Invitae Evidence Modeling of protein sequence and biophysical properties (such as structural, functional, and spatial information, amino acid conservation, physicochemical variation, residue mobility, and thermodynamic stability) indicates that this missense variant is not expected to disrupt ROBO1 protein function with a negative predictive value of 95%. In summary, the available evidence is currently insufficient to determine the role of this variant in disease. Therefore, it has been classified as a Variant of Uncertain Significance.

Ambry Genetics
Classification: Uncertain significance for Inborn genetic diseases. Last evaluated: 2022-04-22. Review status: criteria provided, single submitter. Criteria: Ambry Variant Classification Scheme 2023. Collection method: clinical testing. Allele origin: germline.

NM_002941.4(ROBO1):c.2564G>A (p.Ser855Asn)

Gene: ROBO1 (roundabout guidance receptor 1; minus strand). Cytogenetic location: 3p12.3.
Variant type: single nucleotide variant.
Coding change: c.2564G>A on transcript NM_002941.4 (MANE Select); coding-DNA position 2564, G replaced by A.
Protein change: p.Ser855Asn; replaces serine 855 with asparagine.
Molecular consequence: missense variant.
Genome position (GRCh38, 1-based): chr3:78,657,148, C>T on the plus strand (G>A on the coding strand, the complement: ROBO1 is on the minus strand). VCF-style: chr3-78657148-C-T. GRCh37 (hg19) VCF-style: chr3-78706298-C-T.
Other names: c.2456G>A, p.Ser819Asn (NM_001145844.1, NM_001145845.2, NM_133631.4); short protein forms S819N, S855N.
Identifiers: ClinVar variation 2284753 (VCV002284753.3), dbSNP rs779466099, ClinGen allele CA2498643.